The following is an entry in ClinVar:

ClinVar aggregate classification (germline): Uncertain significance (1 of 4 stars; one submission).

Conditions:
Inborn genetic diseases. Identifiers: MedGen C0950123, MeSH D030342.

Allele frequency attached by ClinVar (database versions not stated): gnomAD exomes below 0.00001.
gnomAD v4.1: 2 of 1,613,490 alleles (0.00012%); highest among the groups gnomAD compares: East Asian, 0.0045%; no homozygotes.

Submission:

Ambry Genetics
Classification: Uncertain significance for Inborn genetic diseases. Last evaluated: 2023-05-14. Review status: criteria provided, single submitter. Criteria: Ambry Variant Classification Scheme 2023. Collection method: clinical testing. Allele origin: germline.
Comment: The p.S825N variant (also known as c.2474G>A), located in coding exon 11 of the ATR gene, results from a G to A substitution at nucleotide position 2474. The serine at codon 825 is replaced by asparagine, an amino acid with highly similar properties. This amino acid position is conserved. In addition, this alteration is predicted to be tolerated by in silico analysis. Since supporting evidence is limited at this time, the clinical significance of this alteration remains unclear.

NM_001184.4(ATR):c.2474G>A (p.Ser825Asn)

Gene: ATR (ATR checkpoint kinase; minus strand). Cytogenetic location: 3q23.
Variant type: single nucleotide variant.
Coding change: c.2474G>A on transcript NM_001184.4 (MANE Select); coding-DNA position 2474, G replaced by A.
Protein change: p.Ser825Asn; replaces serine 825 with asparagine.
Molecular consequence: missense variant.
Genome position (GRCh38, 1-based): chr3:142,553,883, C>T on the plus strand (G>A on the coding strand, the complement: ATR is on the minus strand). VCF-style: chr3-142553883-C-T. GRCh37 (hg19) VCF-style: chr3-142272725-C-T.
Other names: c.2282G>A, p.Ser761Asn (NM_001354579.2); short protein forms S825N, S761N.
Identifiers: ClinVar variation 2562502 (VCV002562502.2), dbSNP rs2108465350, ClinGen allele CA354816537.